The following is an entry in ClinVar:

NM_021975.4(RELA):c.1419G>C (p.Glu473Asp)

Gene: RELA (RELA proto-oncogene, NF-kB subunit; minus strand). Cytogenetic location: 11q13.1.
Variant type: single nucleotide variant.
Coding change: c.1419G>C on transcript NM_021975.4 (MANE Select); coding-DNA position 1419, G replaced by C.
Protein change: p.Glu473Asp; replaces glutamic acid 473 with aspartic acid.
Molecular consequence: missense variant. On other transcripts: intron variant (1).
Genome position (GRCh38, 1-based): chr11:65,654,615, C>G on the plus strand (G>C on the coding strand, the complement: RELA is on the minus strand). VCF-style: chr11-65654615-C-G. GRCh37 (hg19) VCF-style: chr11-65422086-C-G.
Other names: c.1410G>C, p.Glu470Asp (NM_001145138.2); c.1212G>C, p.Glu404Asp (NM_001243984.2); c.1452G>C, p.Glu484Asp (NM_001404657.1); c.1392G>C, p.Glu464Asp (NM_001404658.1); c.1206G>C, p.Glu402Asp (NM_001404659.1); c.1101G>C, p.Glu367Asp (NM_001404660.1); c.1038G>C, p.Glu346Asp (NM_001404661.1); c.1326G>C, p.Glu442Asp (NM_001404662.1, NM_001404663.1); and 2 more; short protein forms E367D, E464D, E404D, E470D, E484D, E346D, E402D, E442D.
Identifiers: ClinVar variation 1939672 (VCV001939672.6), dbSNP rs535576789, ClinGen allele CA6106598.

ClinVar aggregate classification (germline): Uncertain significance. Review status: criteria provided, multiple submitters, no conflicts (2 of 4 stars). 2 submissions from 2 submitters: Uncertain significance (2). Last evaluated 2025-08-10.

Allele frequency attached by ClinVar (database versions not stated): gnomAD exomes 0.00001; ExAC 0.00002; gnomAD 0.00005; TOPMed 0.00008; 1000 Genomes Project 30x 0.00016; 1000 Genomes Project 0.00020.
gnomAD v4.1: 17 of 1,610,448 alleles (0.0011%); highest among the groups gnomAD compares: African/African-American, 0.021%; no homozygotes.

Submissions (2):

Ambry Genetics
Classification: Uncertain significance. Last evaluated: 2025-08-10. Review status: criteria provided, single submitter. Criteria: Ambry Variant Classification Scheme 2023. Collection method: clinical testing. Allele origin: germline.

Labcorp Genetics (formerly Invitae), Labcorp
Classification: Uncertain significance. Last evaluated: 2022-12-20. Review status: criteria provided, single submitter. Criteria: Invitae Variant Classification Sherloc (09022015). Collection method: clinical testing. Allele origin: germline.
Comment: This sequence change replaces glutamic acid, which is acidic and polar, with aspartic acid, which is acidic and polar, at codon 473 of the RELA protein (p.Glu473Asp). This variant is present in population databases (rs535576789, gnomAD 0.02%). This variant has not been reported in the literature in individuals affected with RELA-related conditions. Algorithms developed to predict the effect of missense changes on protein structure and function (SIFT, PolyPhen-2, Align-GVGD) all suggest that this variant is likely to be tolerated. In summary, the available evidence is currently insufficient to determine the role of this variant in disease. Therefore, it has been classified as a Variant of Uncertain Significance.